The following is an entry in ClinVar:

NM_032444.4(SLX4):c.4678A>G (p.Ile1560Val)

Gene: SLX4 (SLX4 structure-specific endonuclease subunit; minus strand). Cytogenetic location: 16p13.3.
Variant type: single nucleotide variant.
Coding change: c.4678A>G on transcript NM_032444.4 (MANE Select); coding-DNA position 4678, A replaced by G.
Protein change: p.Ile1560Val; replaces isoleucine 1560 with valine.
Molecular consequence: missense variant.
Genome position (GRCh38, 1-based): chr16:3,584,830, T>C on the plus strand (A>G on the coding strand, the complement: SLX4 is on the minus strand). VCF-style: chr16-3584830-T-C. GRCh37 (hg19) VCF-style: chr16-3634831-T-C.
Other names: short protein forms I1560V.
Identifiers: ClinVar variation 3014321 (VCV003014321.3), dbSNP rs756795604, ClinGen allele CA7865553.

ClinVar aggregate classification (germline): Uncertain significance (1 of 4 stars; one submission).

Conditions:
Fanconi anemia (FA). Also called: Fanconi's anemia. Identifiers: Orphanet 84, MedGen C0015625, MeSH D005199, MONDO:0019391.

Allele frequency attached by ClinVar (database versions not stated): gnomAD 0.00001; gnomAD exomes 0.00001; ExAC 0.00002; TOPMed 0.00002.
gnomAD v4.1: 7 of 1,614,072 alleles (0.00043%); highest among the groups gnomAD compares: Admixed American, 0.012%; no homozygotes.

Submission:

Labcorp Genetics (formerly Invitae), Labcorp
Classification: Uncertain significance for Fanconi anemia. Last evaluated: 2023-04-20. Review status: criteria provided, single submitter. Criteria: Invitae Variant Classification Sherloc (09022015). Collection method: clinical testing. Allele origin: germline.
Comment: This variant is present in population databases (rs756795604, gnomAD 0.02%). This sequence change replaces isoleucine, which is neutral and non-polar, with valine, which is neutral and non-polar, at codon 1560 of the SLX4 protein (p.Ile1560Val). This variant has not been reported in the literature in individuals affected with SLX4-related conditions. An algorithm developed to predict the effect of missense changes on protein structure and function (PolyPhen-2) suggests that this variant is likely to be tolerated. In summary, the available evidence is currently insufficient to determine the role of this variant in disease. Therefore, it has been classified as a Variant of Uncertain Significance.